The following is an entry in ClinVar:

ClinVar aggregate classification (germline): Likely benign. Review status: criteria provided, single submitter (1 of 4 stars). 2 submissions from 2 submitters: Likely benign (1). 1 of the submissions does not count toward it. Last evaluated 2020-07-07.

Conditions:
SZT2-related disorder. Also called: SZT2-related condition.

Allele frequency attached by ClinVar (database versions not stated): gnomAD exomes below 0.00001; TOPMed below 0.00001; ExAC 0.00001.

Submissions (2):

Labcorp Genetics (formerly Invitae), Labcorp
Classification: Likely benign. Last evaluated: 2020-07-07. Review status: criteria provided, single submitter. Criteria: Invitae Variant Classification Sherloc (09022015). Collection method: clinical testing. Allele origin: germline.

PreventionGenetics, part of Exact Sciences
Classification: Likely benign for SZT2-related condition. Last evaluated: 2024-06-13. Review status: no assertion criteria provided. Collection method: clinical testing. Allele origin: germline. Not counted in ClinVar's aggregate classification.
Comment: This variant is classified as likely benign based on ACMG/AMP sequence variant interpretation guidelines (Richards et al. 2015 PMID: 25741868, with internal and published modifications).

NM_001365999.1(SZT2):c.9993C>T (p.Val3331=)

Genes: SZT2 (SZT2 subunit of KICSTOR complex; plus strand), SZT2-AS1 (SZT2 antisense RNA 1; minus strand). Cytogenetic location: 1p34.2.
Variant type: single nucleotide variant.
Coding change: c.9993C>T on transcript NM_001365999.1 (MANE Select); coding-DNA position 9993, C replaced by T.
Protein change: p.Val3331=; no amino-acid change (valine 3331 retained).
Molecular consequence: synonymous variant. On other transcripts: non-coding transcript variant (1).
Genome position (GRCh38, 1-based): chr1:43,448,635, C>T. VCF-style: chr1-43448635-C-T. GRCh37 (hg19) VCF-style: chr1-43914306-C-T.
Other names: c.9822C>T, p.Val3274= (NM_015284.4); c.9822C>T (NM_015284.3).
Identifiers: ClinVar variation 1151926 (VCV001151926.10), dbSNP rs747931901, ClinGen allele CA811059.